The following is an entry in ClinVar:

ClinVar aggregate classification (germline): Uncertain significance (1 of 4 stars; one submission).

Conditions:
Rhabdoid tumor predisposition syndrome 2 (RTPS2). Identifiers: Orphanet 231108, Orphanet 69077, MedGen C2750074, MONDO:0013224, OMIM 613325.

Submission:

Labcorp Genetics (formerly Invitae), Labcorp
Classification: Uncertain significance for Rhabdoid tumor predisposition syndrome 2. Last evaluated: 2023-01-31. Review status: criteria provided, single submitter. Criteria: Invitae Variant Classification Sherloc (09022015). Collection method: clinical testing. Allele origin: germline.
Comment: This sequence change replaces phenylalanine, which is neutral and non-polar, with leucine, which is neutral and non-polar, at codon 1116 of the SMARCA4 protein (p.Phe1116Leu). This variant is not present in population databases (gnomAD no frequency). This variant has not been reported in the literature in individuals affected with SMARCA4-related conditions. Advanced modeling of protein sequence and biophysical properties (such as structural, functional, and spatial information, amino acid conservation, physicochemical variation, residue mobility, and thermodynamic stability) performed at Invitae indicates that this missense variant is not expected to disrupt SMARCA4 protein function. In summary, the available evidence is currently insufficient to determine the role of this variant in disease. Therefore, it has been classified as a Variant of Uncertain Significance.

NM_003072.5(SMARCA4):c.3348T>G (p.Phe1116Leu)

Gene: SMARCA4 (SWI/SNF related BAF chromatin remodeling complex subunit ATPase 4; plus strand). Cytogenetic location: 19p13.2.
Variant type: single nucleotide variant.
Coding change: c.3348T>G on transcript NM_003072.5 (MANE Select); coding-DNA position 3348, T replaced by G.
Protein change: p.Phe1116Leu; replaces phenylalanine 1116 with leucine.
Molecular consequence: missense variant. On other transcripts: non-coding transcript variant (1).
Genome position (GRCh38, 1-based): chr19:11,027,916, T>G. VCF-style: chr19-11027916-T-G. GRCh37 (hg19) VCF-style: chr19-11138592-T-G.
Other names: c.3348T>G, p.Phe1116Leu (NM_001128844.3, NM_001128845.2, NM_001128846.2 and 6 more transcripts); short protein forms F1116L.
Identifiers: ClinVar variation 2833079 (VCV002833079.3), dbSNP rs1182379000, ClinGen allele CA404061849.
Genomic context (GRCh38, chr19:11,027,916, plus strand): 5'-CCACAAAGTGCTGCTGTTCTGCCAAATGACCTCCCTCATGACCATCATGGAAGATTACTT[T>G]GCGTATCGCGGCTTTAAATACCTCAGGCTTGATGGTGAGTATGAGCCAGTGAGGCGTTTC-3'
Protein context (NP_003063.2, residues 1106-1126): TSLMTIMEDY[Phe1116Leu]AYRGFKYLRL